The following is an entry in ClinVar:

NM_000277.3(PAH):c.48dup (p.Asp17Ter)

Gene: PAH (phenylalanine hydroxylase; minus strand). Cytogenetic location: 12q23.2.
Variant type: Duplication.
Coding change: c.48dup on transcript NM_000277.3 (MANE Select); coding-DNA position 48, one base duplicated (T; older notation c.48dupT).
Protein change: p.Asp17Ter; replaces aspartic acid 17 with a stop codon.
Molecular consequence: nonsense.
Genome position (GRCh38, 1-based): chr12:102,917,083, A duplicated on the plus strand (T on the coding strand, the reverse complement: PAH is on the minus strand). VCF-style (leftmost placement, unchanged base first): chr12-102917082-C-CA. GRCh37 (hg19) VCF-style: chr12-103310860-C-CA.
Other names: c.48dup, p.Asp17Ter (NM_001354304.2); short protein forms D17*.
Identifiers: ClinVar variation 805804 (VCV000805804.2), dbSNP rs1592991176, ClinGen allele CA16020720.
Genomic context (GRCh38, chr12:102,917,082, plus strand): 5'-TGGAGGCCCAAATTCCCCTAACTGAGCAGCTCAGGCTGCCGTGGCTCACCTGTCCAAAGT[C>CA]AGAGAGTTTCCTGCCCAAGCCTGGGTTTTCCAGGACCGCAGTGGACATGCTGGCTCCCCG-3'

ClinVar aggregate classification (germline): Pathogenic. Review status: reviewed by expert panel (3 of 4 stars). 2 submissions from 2 submitters: Pathogenic (1). 1 of the submissions does not count toward it. Last evaluated 2019-08-11.

Conditions:
Phenylketonuria (PKU). Also called: FOLLING DISEASE; Phenylketonuria (PKU); OLIGOPHRENIA PHENYLPYRUVICA; Phenylketonurias. Identifiers: Orphanet 716, MedGen C0031485, MONDO:0009861, OMIM 261600. Disease mechanism: loss of function.

Submissions (2):

ClinGen PAH Variant Curation Expert Panel
Classification: Pathogenic for Phenylketonuria. Last evaluated: 2019-08-11. Review status: reviewed by expert panel. Criteria: ClinGen PAH ACMG Specifications v1. Collection method: curation. Allele origin: germline. Inheritance: Autosomal recessive inheritance.
Comment: Pathogenic: The c.48dup (p.D17*) variant has been reported in one individual with classic PKU, who carried a second pathogenic variant in PAH (p.L48S) (PM3, PP4; PMID: 18299955). This variant is absent from gnomAD, 1000 Genomes, and ESP databases (PM2). In summary, this variant meets criteria to be classified as pathogenic for PAH. PAH-specific ACMG/AMP criteria applied: PVS1, PM3-supporting, PM2, PP4.

Baylor Genetics
Classification: Pathogenic for Phenylketonuria. Last evaluated: 2023-02-14. Review status: criteria provided, single submitter. Criteria: ACMG Guidelines, 2015. Collection method: clinical testing. Allele origin: unknown. Not counted in ClinVar's aggregate classification.

Literature cited by the submitters: PubMed 18299955 (cited by ClinGen PAH Variant Curation Expert Panel).